The following is an entry in ClinVar:

NM_001101.5(ACTB):c.825C>G (p.His275Gln)

Gene: ACTB (actin beta; minus strand). Cytogenetic location: 7p22.1.
Variant type: single nucleotide variant.
Coding change: c.825C>G on transcript NM_001101.5 (MANE Select); coding-DNA position 825, C replaced by G.
Protein change: p.His275Gln; replaces histidine 275 with glutamine.
Molecular consequence: missense variant.
Genome position (GRCh38, 1-based): chr7:5,528,163, G>C on the plus strand (C>G on the coding strand, the complement: ACTB is on the minus strand). VCF-style: chr7-5528163-G-C. GRCh37 (hg19) VCF-style: chr7-5567794-G-C.
Other names: short protein forms H275Q.
Identifiers: ClinVar variation 2578165 (VCV002578165.1), dbSNP rs373362107, ClinGen allele CA366700688.

ClinVar aggregate classification (germline): Uncertain significance (1 of 4 stars; one submission).

gnomAD v4.1: 1 of 1,614,196 alleles (0.000062%); highest among the groups gnomAD compares: Non-Finnish European, 0.000085%; no homozygotes.

Submission:

GeneDx
Classification: Uncertain significance. Last evaluated: 2023-02-28. Review status: criteria provided, single submitter. Criteria: GeneDx Variant Classification Process June 2021. Collection method: clinical testing. Allele origin: germline. Affected: yes.
Comment: Not observed at significant frequency in large population cohorts (gnomAD); Missense variants in this gene are often considered pathogenic (HGMD); In silico analysis supports that this missense variant has a deleterious effect on protein structure/function; Has not been previously published as pathogenic or benign to our knowledge